The following is an entry in ClinVar:

NM_000095.3(COMP):c.279C>A (p.Pro93=)

Gene: COMP (cartilage oligomeric matrix protein; minus strand). Cytogenetic location: 19p13.11.
Variant type: single nucleotide variant.
Coding change: c.279C>A on transcript NM_000095.3 (MANE Select); coding-DNA position 279, C replaced by A.
Protein change: p.Pro93=; no amino-acid change (proline 93 retained).
Molecular consequence: synonymous variant.
Genome position (GRCh38, 1-based): chr19:18,790,053, G>T on the plus strand (C>A on the coding strand, the complement: COMP is on the minus strand). VCF-style: chr19-18790053-G-T. GRCh37 (hg19) VCF-style: chr19-18900862-G-T.
Identifiers: ClinVar variation 328625 (VCV000328625.22), dbSNP rs139319996, ClinGen allele CA9316773.
Genomic context (GRCh38, chr19:18,790,053, plus strand): 5'-GGGGCCGCAGCGCGCGCCGCTCTCCGTCTGGATGCAGGCCACGCCGGGGAAGCAGAAGCC[G>T]GGCGCGCAGTGGAGCAGGGGCCGCACGCTGGGTAGGCCGGTGCGTACTGACTGCTGCATC-3'
Protein context (NP_000086.2, residues 83-103): PSVRPLLHCA[Pro93=]GFCFPGVACI

ClinVar aggregate classification (germline): Benign/Likely benign. Review status: criteria provided, multiple submitters, no conflicts (2 of 4 stars). 8 submissions from 7 submitters: Benign (7); Likely benign (1). Last evaluated 2026-05-13.

Conditions:
Multiple epiphyseal dysplasia type 1. Also called: COMP-Related Multiple Epiphyseal Dysplasia. Identifiers: Orphanet 93308, MedGen C1838280, MONDO:0007561, OMIM 132400.
Pseudoachondroplastic spondyloepiphyseal dysplasia syndrome (PSACH). Also called: PSEUDOACHONDROPLASTIC DYSPLASIA; COMP-Related Pseudoachondroplasia; Pseudoachondroplasia. Identifiers: Orphanet 750, MedGen C0410538, MONDO:0008322, OMIM 177170.

Allele frequency attached by ClinVar (database versions not stated): gnomAD 0.00093; TOPMed 0.00118; 1000 Genomes Project 0.00419; 1000 Genomes Project 30x 0.00437.
gnomAD v4.1: 1,793 of 1,559,750 alleles (0.11%); highest among the groups gnomAD compares: East Asian, 3.2%; 33 homozygotes.

Submissions (8):

Women's Health and Genetics/Laboratory Corporation of America, LabCorp
Classification: Benign. Last evaluated: 2026-05-13. Review status: criteria provided, single submitter. Criteria: LabCorp Variant Classification Summary - May 2015. Collection method: clinical testing. Allele origin: germline.

Labcorp Genetics (formerly Invitae), Labcorp
Classification: Benign. Last evaluated: 2026-01-19. Review status: criteria provided, single submitter. Criteria: Invitae Variant Classification Sherloc (09022015). Collection method: clinical testing. Allele origin: germline.

ARUP Laboratories, Molecular Genetics and Genomics, ARUP Laboratories
Classification: Benign. Last evaluated: 2025-05-08. Review status: criteria provided, single submitter. Criteria: ARUP Molecular Germline Variant Investigation Process 2024. Collection method: clinical testing. Allele origin: germline.

Blueprint Genetics
Classification: Likely benign. Last evaluated: 2024-11-22. Review status: criteria provided, single submitter. Criteria: ACMG Guidelines, 2015. Collection method: clinical testing. Allele origin: germline.

GeneDx
Classification: Benign. Last evaluated: 2020-09-16. Review status: criteria provided, single submitter. Criteria: GeneDx Variant Classification Process June 2021. Collection method: clinical testing. Allele origin: germline. Affected: yes.

Illumina Laboratory Services, Illumina
Classification: Benign for Pseudoachondroplastic spondyloepiphyseal dysplasia syndrome. Last evaluated: 2018-01-12. Review status: criteria provided, single submitter. Criteria: ICSL Variant Classification Criteria 13 December 2019. Collection method: clinical testing. Allele origin: germline.
Comment: This variant was observed in the ICSL laboratory as part of a predisposition screen in an ostensibly healthy population. It had not been previously curated by ICSL or reported in the Human Gene Mutation Database (HGMD: prior to June 1st, 2018), and was therefore a candidate for classification through an automated scoring system. Utilizing variant allele frequency, disease prevalence and penetrance estimates, and inheritance mode, an automated score was calculated to assess if this variant is too frequent to cause the disease. Based on the score and internal cut-off values, a variant classified as benign is not then subjected to further curation. The score for this variant resulted in a classification of benign for this disease.

Illumina Laboratory Services, Illumina
Classification: Benign for Multiple epiphyseal dysplasia type 1. Last evaluated: 2018-01-12. Review status: criteria provided, single submitter. Criteria: ICSL Variant Classification Criteria 13 December 2019. Collection method: clinical testing. Allele origin: germline.
Comment: the same text as in the submission from Illumina Laboratory Services, Illumina above.

Breakthrough Genomics
Classification: Benign. Review status: criteria provided, single submitter. Criteria: ACMG Guidelines, 2015. Collection method: not provided. Allele origin: germline. Inheritance: Autosomal dominant inheritance. Affected: yes.